The following is an entry in ClinVar:

NM_000642.3(AGL):c.842_846+29del

Gene: AGL (amylo-alpha-1,6-glucosidase and 4-alpha-glucanotransferase; plus strand). Cytogenetic location: 1p21.2.
Variant type: Deletion.
Coding change: c.842_846+29del on transcript NM_000642.3 (MANE Select); coding-DNA position 842 through 29 bases into the intron after coding-DNA position 846, 34 bases deleted.
Molecular consequence: splice donor variant.
Genome position (GRCh38, 1-based): chr1:99,870,577-99,870,610, 34 bases deleted; deleting any 34 consecutive bases within chr1:99,870,575-99,870,610 gives the same sequence; the c. name uses the placement nearest the transcript's 3' end. GRCh37 (hg19): chr1:100,336,133-100,336,166.
Other names: c.842_846+29del (NM_000643.3, NM_000644.3, NM_001425326.1 and 3 more transcripts); c.794_798+29del (NM_000646.3); c.638_642+29del (NM_001425328.1, NM_001425329.1); c.464_468+29del (NM_001425332.1).
Identifiers: ClinVar variation 1994022 (VCV001994022.4), dbSNP rs2524560342, ClinGen allele CA2580063387.

ClinVar aggregate classification (germline): Likely pathogenic (1 of 4 stars; one submission).

Conditions:
Glycogen storage disease type III (GSD3). Also called: Cori disease; FORBES DISEASE. Identifiers: Orphanet 366, MedGen C0017922, MONDO:0009291, OMIM 232400.

Submission:

Labcorp Genetics (formerly Invitae), Labcorp
Classification: Likely pathogenic for Glycogen storage disease type III. Last evaluated: 2022-05-27. Review status: criteria provided, single submitter. Criteria: Invitae Variant Classification Sherloc (09022015). Collection method: clinical testing. Allele origin: germline.
Comment: Algorithms developed to predict the effect of sequence changes on RNA splicing suggest that this variant may disrupt the consensus splice site. In summary, the currently available evidence indicates that the variant is pathogenic, but additional data are needed to prove that conclusively. Therefore, this variant has been classified as Likely Pathogenic. This variant has not been reported in the literature in individuals affected with AGL-related conditions. This variant is not present in population databases (gnomAD no frequency). This variant results in the deletion of part of exon 6 (c.842_846+29del) of the AGL gene. It is expected to disrupt RNA splicing. Variants that disrupt the donor or acceptor splice site typically lead to a loss of protein function (PMID: 16199547), and loss-of-function variants in AGL are known to be pathogenic (PMID: 19299494).

Literature cited by the submitters: PubMed 16199547; PubMed 19299494.